The following is an entry in ClinVar:

NM_000548.5(TSC2):c.2546-5C>G

Gene: TSC2 (TSC complex subunit 2; plus strand). Cytogenetic location: 16p13.3.
Variant type: single nucleotide variant.
Coding change: c.2546-5C>G on transcript NM_000548.5 (MANE Select); 5 bases into the intron before coding-DNA position 2546, C replaced by G.
Molecular consequence: intron variant.
Genome position (GRCh38, 1-based): chr16:2,075,794, C>G. VCF-style: chr16-2075794-C-G. GRCh37 (hg19) VCF-style: chr16-2125795-C-G.
Other names: c.2546-5C>G (NM_001114382.3, NM_021055.3, NM_001370405.1 and 3 more transcripts); c.2435-5C>G (NM_001318827.2); c.1946-5C>G (NM_001318831.2); c.2399-5C>G (NM_001318829.2); c.2579-5C>G (NM_001318832.2).
Identifiers: ClinVar variation 836129 (VCV000836129.11), dbSNP rs45517247, ClinGen allele CA039933.

ClinVar aggregate classification (germline): Benign/Likely benign. Review status: criteria provided, multiple submitters, no conflicts (2 of 4 stars). 3 submissions from 3 submitters: Benign (1); Likely benign (2). Last evaluated 2025-05-05.

Conditions:
Hereditary cancer-predisposing syndrome. Also called: Neoplastic Syndromes, Hereditary; Hereditary neoplastic syndrome; Tumor predisposition; Hereditary Cancer Syndrome. Identifiers: Orphanet 140162, MedGen C0027672, MeSH D009386, MONDO:0015356.
Tuberous sclerosis 2 (TSC2). Identifiers: Orphanet 805, MedGen C1860707, MONDO:0013199, OMIM 613254.

gnomAD v4.1: 13 of 1,612,350 alleles (0.00081%); highest among the groups gnomAD compares: South Asian, 0.014%; no homozygotes.

Submissions (3):

Labcorp Genetics (formerly Invitae), Labcorp
Classification: Benign for Tuberous sclerosis 2. Last evaluated: 2025-05-05. Review status: criteria provided, single submitter. Criteria: Invitae Variant Classification Sherloc (09022015). Collection method: clinical testing. Allele origin: germline.

Myriad Genetics, Inc.
Classification: Likely benign for Tuberous sclerosis 2. Last evaluated: 2024-08-13. Review status: criteria provided, single submitter. Criteria: Myriad Autosomal Dominant, Autosomal Recessive and X-Linked Classification Criteria (2023). Collection method: clinical testing. Allele origin: unknown.
Comment: This variant is considered likely benign. This variant is intronic and is not expected to impact mRNA splicing. This variant has been observed at a population frequency that is significantly greater than expected given the associated disease prevalence and penetrance.

Ambry Genetics
Classification: Likely benign for Hereditary cancer-predisposing syndrome. Last evaluated: 2023-09-20. Review status: criteria provided, single submitter. Criteria: Ambry Variant Classification Scheme 2023. Collection method: clinical testing. Allele origin: germline.